The following is an entry in ClinVar:

NM_024675.4(PALB2):c.3426dup (p.Leu1143fs)

Gene: PALB2 (partner and localizer of BRCA2; minus strand). Cytogenetic location: 16p12.2.
Variant type: Duplication.
Coding change: c.3426dup on transcript NM_024675.4 (MANE Select); coding-DNA position 3426, one base duplicated (A; older notation c.3426dupA).
Protein change: p.Leu1143fs; shifts the reading frame from leucine 1143.
Molecular consequence: frameshift variant.
Genome position (GRCh38, 1-based): chr16:23,603,594, T duplicated on the plus strand (A on the coding strand, the reverse complement: PALB2 is on the minus strand). VCF-style (leftmost placement, unchanged base first): chr16-23603593-G-GT. GRCh37 (hg19) VCF-style: chr16-23614914-G-GT.
Other names: c.3426dupA (NM_024675.3); short protein forms L1143fs.
Identifiers: ClinVar variation 143974 (VCV000143974.28), dbSNP rs587776425, ClinGen allele CA294563.

ClinVar aggregate classification (germline): Pathogenic. Review status: criteria provided, multiple submitters, no conflicts (2 of 4 stars). 9 submissions from 9 submitters: Pathogenic (7). 2 of the submissions do not count toward it. Last evaluated 2025-07-07.

Conditions:
Hereditary cancer-predisposing syndrome. Also called: Hereditary Cancer Syndrome; Neoplastic Syndromes, Hereditary; Hereditary neoplastic syndrome; Tumor predisposition. Identifiers: Orphanet 140162, MedGen C0027672, MeSH D009386, MONDO:0015356.
Familial cancer of breast. Also called: BREAST CANCER, FAMILIAL; Hereditary breast cancer; hereditary breast carcinoma. Identifiers: Orphanet 227535, MedGen C0346153, MONDO:0016419, OMIM 114480. Disease mechanism: loss of function.

Submissions (9):

Labcorp Genetics (formerly Invitae), Labcorp
Classification: Pathogenic for Familial cancer of breast. Last evaluated: 2025-07-07. Review status: criteria provided, single submitter. Criteria: Invitae Variant Classification Sherloc (09022015). Collection method: clinical testing. Allele origin: germline.
Comment: This sequence change creates a premature translational stop signal (p.Leu1143Thrfs*14) in the PALB2 gene. While this is not anticipated to result in nonsense mediated decay, it is expected to disrupt the last 44 amino acid(s) of the PALB2 protein. This variant is not present in population databases (gnomAD no frequency). This premature translational stop signal has been observed in individual(s) with breast cancer (PMID: 25099575, 25575445). ClinVar contains an entry for this variant (Variation ID: 143974). This variant disrupts a region of the PALB2 protein in which other variant(s) (p.Tyr1183*) have been determined to be pathogenic (PMID: 17200671, 19609323). This suggests that this is a clinically significant region of the protein, and that variants that disrupt it are likely to be disease-causing. For these reasons, this variant has been classified as Pathogenic.

Quest Diagnostics Nichols Institute San Juan Capistrano
Classification: Pathogenic. Last evaluated: 2025-03-05. Review status: criteria provided, single submitter. Criteria: Quest Diagnostics criteria. Collection method: clinical testing. Allele origin: unknown.
Comment: The PALB2 c.3426dup (p.Leu1143Thrfs*14) variant alters the translational reading frame of the PALB2 mRNA and causes the premature termination of PALB2 protein synthesis. This variant has been reported in the published literature in individuals with breast cancer (PMID: 25099575 (2014), 25575445 (2015), 29430632 (2018), 31300551 (2020)) and pancreatic cancer (PMID: 35171259 (2022)). This variant has not been reported in large, multi-ethnic general populations (Genome Aggregation Database). Based on the available information, this variant is classified as pathogenic.

Ambry Genetics
Classification: Pathogenic for Hereditary cancer-predisposing syndrome. Last evaluated: 2024-05-15. Review status: criteria provided, single submitter. Criteria: Ambry Variant Classification Scheme 2023. Collection method: clinical testing. Allele origin: germline.
Comment: The c.3426dupA pathogenic mutation, located in coding exon 13 of the PALB2 gene, results from a duplication of A at nucleotide position 3426, causing a translational frameshift with a predicted alternate stop codon (p.L1143Tfs*14). This alteration occurs at the 3' terminus of thePALB2 gene, is not expected to trigger nonsense-mediated mRNA decay, and only impacts the last 44 amino acids of the protein. However, premature stop codons are typically deleterious in nature and the impacted region is critical for protein function (Ambry internal data). This mutation has been detected in multiple individuals diagnosed with breast cancer (Antoniou AC, et al. N. Engl. J. Med. 2014;371(6):497-506. Nguyen-Dumont T, et al. Breast Cancer Res. Treat. 2015;149(2):547-54). Based on the supporting evidence, this variant is interpreted as a disease-causing mutation.

Baylor Genetics
Classification: Pathogenic for Familial cancer of breast. Last evaluated: 2024-01-22. Review status: criteria provided, single submitter. Criteria: ACMG Guidelines, 2015. Collection method: clinical testing. Allele origin: unknown.

Myriad Genetics, Inc.
Classification: Pathogenic for Familial cancer of breast. Last evaluated: 2023-09-15. Review status: criteria provided, single submitter. Criteria: Myriad Autosomal Dominant, Autosomal Recessive and X-Linked Classification Criteria (2023). Collection method: clinical testing. Allele origin: unknown.
Comment: This variant is considered pathogenic. This variant creates a frameshift predicted to result in premature protein truncation.

GeneDx
Classification: Pathogenic. Last evaluated: 2022-11-03. Review status: criteria provided, single submitter. Criteria: GeneDx Variant Classification Process June 2021. Collection method: clinical testing. Allele origin: germline. Affected: yes.
Comment: Frameshift variant predicted to result in protein truncation as the last 44 amino acids are replaced with 3 different amino acids; Not observed at significant frequency in large population cohorts (gnomAD); This variant is associated with the following publications: (PMID: 29430632, 25099575, 25575445, 31300551, 33151324, 35171259)

Color Diagnostics, LLC DBA Color Health
Classification: Pathogenic for Hereditary cancer-predisposing syndrome. Last evaluated: 2022-03-16. Review status: criteria provided, single submitter. Criteria: ACMG Guidelines, 2015. Collection method: clinical testing. Allele origin: germline.
Comment: This variant inserts 1 nucleotide in exon 13 of the PALB2 gene, creating a frameshift and premature translation stop signal in the last coding exon. This variant is expected to escape nonsense-mediated decay and be expressed as a truncated protein. Although functional studies have not been reported, this variant is expected to disrupt the BRCA2 and RAD51 binding domain. In addition, truncating variants occurring downstream of this variant are known to be disease-causing. This variant has been reported in 2 individuals affected with breast cancer (PMID: 25575445). This variant has not been identified in the general population by the Genome Aggregation Database (gnomAD). Loss of PALB2 function is a known mechanism of disease. Based on the available evidence, this variant is classified as Pathogenic.

Leiden Open Variation Database
Classification: Pathogenic for Familial cancer of breast. Last evaluated: 2019-12-23. Review status: no assertion criteria provided. Collection method: curation. Allele origin: germline. Affected: no. Not counted in ClinVar's aggregate classification.
Comment: Curators: Marc Tischkowitz, Arleen D. Auerbach. Submitters to LOVD: Florentia Fostira, Marc Tischkowitz.

SNPedia
Classification: Pathogenic. Review status: no assertion criteria provided. Collection method: not provided. Allele origin: germline. Not counted in ClinVar's aggregate classification.
ClinVar note: Converted during submission from pathogenic to Pathogenic.

Literature cited by the submitters: PubMed 25099575 (cited by 4 submitters); PubMed 25575445 (cited by 4 submitters); PubMed 17200671 (cited by Labcorp Genetics (formerly Invitae), Labcorp); PubMed 19609323 (cited by Labcorp Genetics (formerly Invitae), Labcorp); PubMed 29430632 (cited by Quest Diagnostics Nichols Institute San Juan Capistrano); PubMed 31300551 (cited by Quest Diagnostics Nichols Institute San Juan Capistrano and Leiden Open Variation Database); PubMed 35171259 (cited by Quest Diagnostics Nichols Institute San Juan Capistrano).